The following is an entry in ClinVar:

ClinVar aggregate classification (germline): Likely benign (1 of 4 stars; one submission).

Allele frequency attached by ClinVar (database versions not stated): ExAC 0.00867; 1000 Genomes Project 30x 0.00219.

Submission:

CeGaT Center for Human Genetics Tuebingen
Classification: Likely benign. Last evaluated: 2026-01-01. Review status: criteria provided, single submitter. Criteria: CeGaT Center For Human Genetics Tuebingen Variant Classification Criteria Version 2. Collection method: clinical testing. Allele origin: germline. Affected: yes. Observed: 2 variant alleles.
Comment: MUC12: BP4, BP7

NM_001164462.2(MUC12):c.5415A>G (p.Thr1805=)

Gene: MUC12 (mucin 12, cell surface associated; plus strand). Cytogenetic location: 7q22.1.
Variant type: single nucleotide variant.
Coding change: c.5415A>G on transcript NM_001164462.2 (MANE Select); coding-DNA position 5415, A replaced by G.
Protein change: p.Thr1805=; no amino-acid change (threonine 1805 retained).
Molecular consequence: synonymous variant.
Genome position (GRCh38, 1-based): chr7:100,995,978, A>G. VCF-style: chr7-100995978-A-G. GRCh37 (hg19) VCF-style: chr7-100639259-A-G.
Identifiers: ClinVar variation 3025383 (VCV003025383.22), dbSNP rs200282749, ClinGen allele CA4399729.
Genomic context (GRCh38, chr7:100,995,978, plus strand): 5'-TGAAAGCTCCACAGCTTCAGGTCGTAGTGAAGAATCAAGAACTTCCCACAGCAGCACAAC[A>G]CACACAATATCTTCACCTCCTAGCACCACATCTGCCCTTGTTGAAGAACCTACCAGCTAC-3'
Protein context (NP_001157934.1, residues 1795-1815): EESRTSHSST[Thr1805=]HTISSPPSTT